The following is an entry in ClinVar:

ClinVar aggregate classification (germline): Pathogenic/Likely pathogenic. Review status: criteria provided, multiple submitters, no conflicts (2 of 4 stars). 2 submissions from 2 submitters: Pathogenic (1); Likely pathogenic (1). Last evaluated 2023-09-21.

Conditions:
Autosomal recessive limb-girdle muscular dystrophy type 2D (LGMDR3). Also called: ADHALINOPATHY, PRIMARY; DUCHENNE-LIKE AUTOSOMAL RECESSIVE MUSCULAR DYSTROPHY, TYPE 2; MUSCULAR DYSTROPHY, LIMB-GIRDLE, AUTOSOMAL RECESSIVE 3. Identifiers: Orphanet 62, MedGen C2936332, MONDO:0011968, OMIM 608099. Disease mechanism: Affects gamma-sarcoglycan and also disrupts the integrity of the entire sarcoglycan complex..

Submissions (2):

Labcorp Genetics (formerly Invitae), Labcorp
Classification: Pathogenic for Autosomal recessive limb-girdle muscular dystrophy type 2D. Last evaluated: 2023-09-21. Review status: criteria provided, single submitter. Criteria: Invitae Variant Classification Sherloc (09022015). Collection method: clinical testing. Allele origin: germline.
Comment: This sequence change creates a premature translational stop signal (p.Arg77Profs*28) in the SGCA gene. It is expected to result in an absent or disrupted protein product. Loss-of-function variants in SGCA are known to be pathogenic (PMID: 9192266). This variant is not present in population databases (gnomAD no frequency). This variant has not been reported in the literature in individuals affected with SGCA-related conditions. ClinVar contains an entry for this variant (Variation ID: 2090379). For these reasons, this variant has been classified as Pathogenic.

Baylor Genetics
Classification: Likely pathogenic for Autosomal recessive limb-girdle muscular dystrophy type 2D. Last evaluated: 2022-03-23. Review status: criteria provided, single submitter. Criteria: ACMG Guidelines, 2015. Collection method: clinical testing. Allele origin: unknown.

Literature cited by the submitters: PubMed 9192266 (cited by Labcorp Genetics (formerly Invitae), Labcorp).

NM_000023.4(SGCA):c.229dup (p.Arg77fs)

Gene: SGCA (sarcoglycan alpha; plus strand). Cytogenetic location: 17q21.33.
Variant type: Duplication.
Coding change: c.229dup on transcript NM_000023.4 (MANE Select); coding-DNA position 229, one base duplicated (C; older notation c.229dupC).
Protein change: p.Arg77fs; shifts the reading frame from arginine 77.
Molecular consequence: frameshift variant. On other transcripts: non-coding transcript variant (1).
Genome position (GRCh38, 1-based): chr17:50,167,653, C duplicated; the last of 2 consecutive C bases (chr17:50,167,652-50,167,653); duplicating either gives the same sequence. VCF-style (leftmost placement, unchanged base first): chr17-50167651-T-TC. GRCh37 (hg19) VCF-style: chr17-48245012-T-TC.
Other names: c.229dup, p.Arg77fs (NM_001135697.3); short protein forms R77fs.
Identifiers: ClinVar variation 2090379 (VCV002090379.5), dbSNP rs1342319346, ClinGen allele CA772758218.
Genomic context (GRCh38, chr17:50,167,651, plus strand): 5'-CCGCTGTCCACATCACCTACCACGCCCACCTCCAGGGACACCCAGACCTGCCCCGGTGGC[T>TC]CCGCTACACCCAGCGCAGCCCCCACCACCCTGGCTTCCTCTACGGCTCTGCCACCCCAGA-3'